The following is an entry in ClinVar:

ClinVar aggregate classification (germline): Uncertain significance (1 of 4 stars; one submission).

Conditions:
Parkinson disease 18, autosomal dominant, susceptibility to. Identifiers: Orphanet 411602, MedGen C3280271, MONDO:0013653, OMIM 614251.

Allele frequency attached by ClinVar (database versions not stated): gnomAD exomes below 0.00001.
gnomAD v4.1: 3 of 1,614,116 alleles (0.00019%); highest among the groups gnomAD compares: South Asian, 0.0033%; no homozygotes.

Submission:

Neuberg Centre For Genomic Medicine, NCGM
Classification: Uncertain significance for Parkinson disease 18, autosomal dominant, susceptibility to. Last evaluated: 2023-02-14. Review status: criteria provided, single submitter. Criteria: ACMG Guidelines, 2015. Collection method: clinical testing. Allele origin: germline. Inheritance: Autosomal dominant inheritance. Affected: yes.
Comment: The missense c.956C>G (p.Pro319Arg) variant in the EIF4G1 gene has not been reported previously as a pathogenic variant nor as a benign variant, to our knowledge. The variant is novel (not in any individuals) in gnomAD Exomes and 1000 Genomes. The amino acid Proline at position 319 is changed to a Arginine changing protein sequence and it might alter its composition and physico-chemical properties. The variant is predicted as damaging by SIFT. The amino acid change p.Pro319Arg in EIF4G1 is predicted as conserved by GERP++ and PhyloP across 100 vertebrates. For these reasons, this variant has been classified as Uncertain Significance.

NM_198241.3(EIF4G1):c.956C>G (p.Pro319Arg)

Gene: EIF4G1 (eukaryotic translation initiation factor 4 gamma 1; plus strand). Cytogenetic location: 3q27.1.
Variant type: single nucleotide variant.
Coding change: c.956C>G on transcript NM_198241.3 (MANE Select); coding-DNA position 956, C replaced by G.
Protein change: p.Pro319Arg; replaces proline 319 with arginine.
Molecular consequence: missense variant.
Genome position (GRCh38, 1-based): chr3:184,321,540, C>G. VCF-style: chr3-184321540-C-G. GRCh37 (hg19) VCF-style: chr3-184039328-C-G.
Other names: c.977C>G, p.Pro326Arg (NM_001194946.2, NM_001194947.2); c.836C>G, p.Pro279Arg (NM_001291157.2); c.368C>G, p.Pro123Arg (NM_004953.5); c.956C>G, p.Pro319Arg (NM_182917.4); c.464C>G, p.Pro155Arg (NM_198242.3); c.695C>G, p.Pro232Arg (NM_198244.3); short protein forms P123R, P155R, P232R, P279R, P319R, P326R.
Identifiers: ClinVar variation 2671643 (VCV002671643.1), dbSNP rs1209748965, ClinGen allele CA355386912.